The following is an entry in ClinVar:

ClinVar aggregate classification (germline): Conflicting classifications of pathogenicity. Review status: criteria provided, conflicting classifications (1 of 4 stars). 3 submissions from 3 submitters: Uncertain significance (2); Likely benign (1). Last evaluated 2026-06-03.

Conditions:
Chuvash polycythemia. Also called: POLYCYTHEMIA, VHL-DEPENDENT. Identifiers: Orphanet 238557, MedGen C1837915, MONDO:0009892, OMIM 263400.
Von Hippel-Lindau syndrome (VHLS). Also called: von Hippel–Lindau syndrome; VHL syndrome; Von Hippel-Lindau. Identifiers: Orphanet 892, MedGen C0019562, MONDO:0008667, OMIM 193300. Disease mechanism: loss of function.
Hereditary cancer-predisposing syndrome. Also called: Hereditary Cancer Syndrome; Tumor predisposition; Hereditary neoplastic syndrome; Neoplastic Syndromes, Hereditary. Identifiers: Orphanet 140162, MedGen C0027672, MeSH D009386, MONDO:0015356.

Submissions (3):

Ambry Genetics
Classification: Likely benign for Hereditary cancer-predisposing syndrome. Last evaluated: 2026-06-03. Review status: criteria provided, single submitter. Criteria: Ambry Variant Classification Scheme 2023. Collection method: clinical testing. Allele origin: germline.

Labcorp Genetics (formerly Invitae), Labcorp
Classification: Uncertain significance for Von Hippel-Lindau syndrome; Chuvash polycythemia. Last evaluated: 2025-01-29. Review status: criteria provided, single submitter. Criteria: Invitae Variant Classification Sherloc (09022015). Collection method: clinical testing. Allele origin: germline.
Comment: This sequence change replaces glycine, which is neutral and non-polar, with arginine, which is basic and polar, at codon 57 of the VHL protein (p.Gly57Arg). This variant is not present in population databases (gnomAD no frequency). This variant has not been reported in the literature in individuals affected with VHL-related conditions. ClinVar contains an entry for this variant (Variation ID: 421532). Invitae Evidence Modeling of protein sequence and biophysical properties (such as structural, functional, and spatial information, amino acid conservation, physicochemical variation, residue mobility, and thermodynamic stability) has been performed for this missense variant. However, the output from this modeling did not meet the statistical confidence thresholds required to predict the impact of this variant on VHL protein function. In summary, the available evidence is currently insufficient to determine the role of this variant in disease. Therefore, it has been classified as a Variant of Uncertain Significance.

GeneDx
Classification: Uncertain significance. Last evaluated: 2016-06-22. Review status: criteria provided, single submitter. Criteria: GeneDx Variant Classification (06012015). Collection method: clinical testing. Allele origin: germline. Affected: yes.
Comment: This variant is denoted VHL c.169G>C at the cDNA level, p.Gly57Arg (G57R) at the protein level, and results in the change of a Glycine to an Arginine (GGG>CGG). This variant has not, to our knowledge, been published in the literature as pathogenic or benign. VHL Gly57Arg was not observed in approximately 6,500 individuals of European and African American ancestry in the NHLBI Exome Sequencing Project, suggesting it is not a common benign variant in these populations. Since Glycine and Arginine differ in polarity, charge, size or other properties, this is considered a non-conservative amino acid substitution. VHL Gly57Arg occurs at a position that is not conserved and is not located in a known functional domain (Yuen 2009). In silico analyses are inconsistent regarding the effect this variant may have on protein structure and function. Based on currently available evidence, it is unclear whether VHL Gly57Arg is a pathogenic or benign variant. We consider it to be a variant of uncertain significance.

Literature cited by the submitters: PubMed 38969834 (cited by Ambry Genetics).

NM_000551.4(VHL):c.169G>C (p.Gly57Arg)

Gene: VHL (von Hippel-Lindau tumor suppressor; plus strand). Cytogenetic location: 3p25.3.
Variant type: single nucleotide variant.
Coding change: c.169G>C on transcript NM_000551.4 (MANE Select); coding-DNA position 169, G replaced by C.
Protein change: p.Gly57Arg; replaces glycine 57 with arginine.
Molecular consequence: missense variant.
Genome position (GRCh38, 1-based): chr3:10,142,016, G>C. VCF-style: chr3-10142016-G-C. GRCh37 (hg19) VCF-style: chr3-10183700-G-C.
Other names: c.169G>C, p.Gly57Arg (NM_001354723.2, NM_198156.3); short protein forms G57R.
Identifiers: ClinVar variation 421532 (VCV000421532.16), dbSNP rs1064795194, ClinGen allele CA16617783.